The following is an entry in ClinVar:

NM_000170.3(GLDC):c.610_611delinsTT (p.Ala204Leu)

Gene: GLDC (glycine decarboxylase; minus strand). Cytogenetic location: 9p24.1.
Variant type: Indel.
Coding change: c.610_611delinsTT on transcript NM_000170.3 (MANE Select); coding-DNA positions 610 to 611, GC replaced by TT.
Protein change: p.Ala204Leu; replaces alanine 204 with leucine.
Molecular consequence: missense variant.
Genome position (GRCh38, 1-based): chr9:6,610,216-6,610,217, GC replaced by AA on the plus strand (GC replaced by TT on the coding strand, the reverse complement: GLDC is on the minus strand). VCF-style: chr9-6610216-GC-AA. GRCh37 (hg19) VCF-style: chr9-6610216-GC-AA.
Other names: c.610_611delGCinsTT, p.Ala204Leu (NM_000170.2); short protein forms A204L.
Identifiers: ClinVar variation 3364052 (VCV003364052.2).

ClinVar aggregate classification (germline): Uncertain significance. Review status: criteria provided, multiple submitters, no conflicts (2 of 4 stars). 2 submissions from 2 submitters: Uncertain significance (2). Last evaluated 2025-04-23.

Conditions:
GLDC-related disorder. Also called: GLDC-related condition.

Submissions (2):

PreventionGenetics, part of Exact Sciences
Classification: Uncertain significance for GLDC-related condition. Last evaluated: 2025-04-23. Review status: criteria provided, single submitter. Criteria: ACMG Guidelines, 2015. Collection method: clinical testing. Allele origin: germline.
Comment: The GLDC c.610_611delinsTT variant is predicted to result in an in-frame deletion and insertion. This variant was reported along with a pathogenic GLDC variant (c.2678C>T, p.Pro893Leu) in an individual for which there was a clinical suspicion of nonketotic hyperglycinemia (Supplementary Table S1,Coughlin et al. 2017. PubMed ID: 27362913). This variant has not been reported in a large population database (gnomAD), indicating this variant is rare. Although we suspect that this variant may be pathogenic, at this time, the clinical significance of this variant is uncertain due to the absence of conclusive functional and genetic evidence.

GeneDx
Classification: Uncertain significance. Last evaluated: 2024-04-20. Review status: criteria provided, single submitter. Criteria: GeneDx Variant Classification Process June 2021. Collection method: clinical testing. Allele origin: germline. Affected: yes.
Comment: Not observed at significant frequency in large population cohorts (gnomAD); In silico analysis supports a deleterious effect on protein structure/function; Reported previously in an individual from a cohort of patients with nonketotic hyperglycinemia who also harbored another GLDC variant; phase was unknown and detailed clinical information not provided (PMID: 27362913); This variant is associated with the following publications: (PMID: 27362913)